The following is an entry in ClinVar:

ClinVar aggregate classification (germline): Pathogenic. Review status: criteria provided, multiple submitters, no conflicts (2 of 4 stars). 2 submissions from 2 submitters: Pathogenic (2). Last evaluated 2025-10-09.

Conditions:
Gray platelet syndrome (GPS). Also called: BLEEDING DISORDER, PLATELET-TYPE, 4. Identifiers: Orphanet 721, MedGen C0272302, MONDO:0007686, OMIM 139090.

Submissions (2):

Institute of Human Genetics, University of Leipzig Medical Center
Classification: Pathogenic for Gray platelet syndrome. Last evaluated: 2025-10-09. Review status: criteria provided, single submitter. Criteria: ACMG Guidelines, 2015. Collection method: clinical testing. Allele origin: unknown. Inheritance: Autosomal recessive inheritance. Affected: yes.
Comment: Criteria applied: PVS1,PM2

Molecular Diagnostics Laboratory, M Health Fairview: University of Minnesota
Classification: Pathogenic for Gray platelet syndrome. Last evaluated: 2021-09-14. Review status: criteria provided, single submitter. Criteria: ACMG Guidelines, 2015. Collection method: clinical testing. Allele origin: germline. Affected: yes.

NM_015175.3(NBEAL2):c.5476dup (p.Arg1826fs)

Gene: NBEAL2 (neurobeachin like 2; plus strand). Cytogenetic location: 3p21.31.
Variant type: Duplication.
Coding change: c.5476dup on transcript NM_015175.3 (MANE Select); coding-DNA position 5476, one base duplicated (C; older notation c.5476dupC).
Protein change: p.Arg1826fs; shifts the reading frame from arginine 1826.
Molecular consequence: frameshift variant.
Genome position (GRCh38, 1-based): chr3:47,002,973, C duplicated; the last of 5 consecutive C bases (chr3:47,002,969-47,002,973); duplicating any one gives the same sequence. VCF-style (leftmost placement, unchanged base first): chr3-47002968-T-TC. GRCh37 (hg19) VCF-style: chr3-47044458-T-TC.
Other names: p.Arg1826ProfsX38; c.5374dup, p.Arg1792fs (NM_001365116.2); short protein forms R1792fs, R1826fs.
Identifiers: ClinVar variation 1300139 (VCV001300139.2), dbSNP rs2107416290, ClinGen allele CA2573052180.